The following is an entry in ClinVar:

NM_001365999.1(SZT2):c.9262T>G (p.Phe3088Val)

Gene: SZT2 (SZT2 subunit of KICSTOR complex; plus strand). Cytogenetic location: 1p34.2.
Variant type: single nucleotide variant.
Coding change: c.9262T>G on transcript NM_001365999.1 (MANE Select); coding-DNA position 9262, T replaced by G.
Protein change: p.Phe3088Val; replaces phenylalanine 3088 with valine.
Molecular consequence: missense variant.
Genome position (GRCh38, 1-based): chr1:43,447,144, T>G. VCF-style: chr1-43447144-T-G. GRCh37 (hg19) VCF-style: chr1-43912815-T-G.
Other names: c.9091T>G, p.Phe3031Val (NM_015284.4); short protein forms F3031V, F3088V.
Identifiers: ClinVar variation 852132 (VCV000852132.9), dbSNP rs1281605472, ClinGen allele CA340042607.

ClinVar aggregate classification (germline): Uncertain significance (1 of 4 stars; one submission).

Allele frequency attached by ClinVar (database versions not stated): gnomAD 0.00001; TOPMed 0.00001.
gnomAD v4.1: 1 of 1,613,014 alleles (0.000062%); highest among the groups gnomAD compares: African/African-American, 0.0013%; no homozygotes.

Submission:

Labcorp Genetics (formerly Invitae), Labcorp
Classification: Uncertain significance. Last evaluated: 2019-03-28. Review status: criteria provided, single submitter. Criteria: Invitae Variant Classification Sherloc (09022015). Collection method: clinical testing. Allele origin: germline.
Comment: Algorithms developed to predict the effect of missense changes on protein structure and function do not agree on the potential impact of this missense change (SIFT: "Deleterious"; PolyPhen-2: "Probably Damaging"; Align-GVGD: "Class C0"). In summary, the available evidence is currently insufficient to determine the role of this variant in disease. Therefore, it has been classified as a Variant of Uncertain Significance. This variant has not been reported in the literature in individuals with SZT2-related disease. This variant is not present in population databases (ExAC no frequency). This sequence change replaces phenylalanine with valine at codon 3031 of the SZT2 protein (p.Phe3031Val). The phenylalanine residue is highly conserved and there is a small physicochemical difference between phenylalanine and valine.